The following is an entry in ClinVar:

GRCh38/hg38 1p35.2-35.1(chr1:30766758-33359428)x1

Genes: A3GALT2 (alpha 1,3-galactosyltransferase 2; minus strand), ADGRB2 (adhesion G protein-coupled receptor B2; minus strand), AK2 (adenylate kinase 2; minus strand), AZIN2 (antizyme inhibitor 2; plus strand), BSDC1 (BSD domain containing 1; minus strand) and 211 more. Cytogenetic location: 1p35.2-35.1.
Variant type: copy number loss.
Change: copy number 1 (one copy instead of two) of chr1:30,766,758-33,359,428 (2.59 Mb, GRCh38 coordinates, 1-based), cytogenetic band 1p35.2-35.1.
Identifiers: ClinVar variation 59931 (VCV000059931.1).

ClinVar aggregate classification (germline): Pathogenic (1 of 4 stars; one submission).

Submission:

ISCA site 17
Classification: Pathogenic. Last evaluated: 2011-08-12. Review status: criteria provided, single submitter. Criteria: Kaminsky et al. (Genet Med. 2011). Collection method: clinical testing. Allele origin: unknown. Affected: yes. Observed: 1 variant allele.
Comment: Copy number variation identified through the course of routine clinical cytogenomic testing in postnatal populations. Clinical assertions have been curated as described in Kaminsky et al. 2011.